The following is an entry in ClinVar:

ClinVar aggregate classification (germline): Uncertain significance (1 of 4 stars; one submission).

Conditions:
Myofibrillar myopathy 6. Identifiers: Orphanet 199340, MedGen C2751831, MONDO:0013061, OMIM 612954.
Dilated cardiomyopathy 1HH (CMD1HH). Identifiers: Orphanet 154, MedGen C3151293, MONDO:0013479, OMIM 613881.

Allele frequency attached by ClinVar (database versions not stated): gnomAD exomes below 0.00001.
gnomAD v4.1: 2 of 1,614,020 alleles (0.00012%); highest among the groups gnomAD compares: South Asian, 0.0022%; no homozygotes.

Submission:

Labcorp Genetics (formerly Invitae), Labcorp
Classification: Uncertain significance for Dilated cardiomyopathy 1HH; Myofibrillar myopathy 6. Last evaluated: 2020-10-08. Review status: criteria provided, single submitter. Criteria: Invitae Variant Classification Sherloc (09022015). Collection method: clinical testing. Allele origin: germline.
Comment: In summary, the available evidence is currently insufficient to determine the role of this variant in disease. Therefore, it has been classified as a Variant of Uncertain Significance. Algorithms developed to predict the effect of missense changes on protein structure and function are either unavailable or do not agree on the potential impact of this missense change (SIFT: "Tolerated"; PolyPhen-2: "Possibly Damaging"; Align-GVGD: "Class C0"). This variant has not been reported in the literature in individuals with BAG3-related conditions. This variant is not present in population databases (ExAC no frequency). This sequence change replaces proline with leucine at codon 330 of the BAG3 protein (p.Pro330Leu). The proline residue is weakly conserved and there is a moderate physicochemical difference between proline and leucine.

NM_004281.4(BAG3):c.989C>T (p.Pro330Leu)

Gene: BAG3 (BAG cochaperone 3; plus strand). Cytogenetic location: 10q26.11.
Variant type: single nucleotide variant.
Coding change: c.989C>T on transcript NM_004281.4 (MANE Select); coding-DNA position 989, C replaced by T.
Protein change: p.Pro330Leu; replaces proline 330 with leucine.
Molecular consequence: missense variant.
Genome position (GRCh38, 1-based): chr10:119,676,543, C>T. VCF-style: chr10-119676543-C-T. GRCh37 (hg19) VCF-style: chr10-121436055-C-T.
Other names: short protein forms P330L.
Identifiers: ClinVar variation 1047326 (VCV001047326.8), dbSNP rs1847237047, ClinGen allele CA378296410.